The following is an entry in ClinVar:

ClinVar aggregate classification (germline): Uncertain significance. Review status: criteria provided, multiple submitters, no conflicts (2 of 4 stars). 4 submissions from 4 submitters: Uncertain significance (4). Last evaluated 2025-09-04.

Conditions:
Inborn genetic diseases. Identifiers: MedGen C0950123, MeSH D030342.
Frontotemporal dementia and/or amyotrophic lateral sclerosis 6 (FTDALS6). Also called: VCP-Related Amyotrophic Lateral Sclerosis; VCP-Related Amyotrophic Lateral Sclerosis/Frontotemporal Dementia. Identifiers: Orphanet 275872, Orphanet 803, MedGen C5436279, MONDO:0013501, OMIM 613954.
Inclusion body myopathy with Paget disease of bone and frontotemporal dementia. Also called: Inclusion body myopathy with early-onset Paget disease and frontotemporal dementia. Identifiers: Orphanet 52430, MedGen C1833662, MONDO:0000507.

Allele frequency attached by ClinVar (database versions not stated): gnomAD exomes below 0.00001 and 0.00001; ExAC 0.00001; gnomAD 0.00001; TOPMed 0.00003.
gnomAD v4.1: 6 of 1,614,044 alleles (0.00037%); highest among the groups gnomAD compares: Admixed American, 0.005%; no homozygotes.

Submissions (4):

Labcorp Genetics (formerly Invitae), Labcorp
Classification: Uncertain significance for Inclusion body myopathy with Paget disease of bone and frontotemporal dementia; Frontotemporal dementia and/or amyotrophic lateral sclerosis 6. Last evaluated: 2025-09-04. Review status: criteria provided, single submitter. Criteria: Invitae Variant Classification Sherloc (09022015). Collection method: clinical testing. Allele origin: germline.
Comment: This sequence change replaces asparagine, which is neutral and polar, with histidine, which is basic and polar, at codon 443 of the VCP protein (p.Asn443His). This variant is present in population databases (rs770514866, gnomAD 0.003%). This variant has not been reported in the literature in individuals affected with VCP-related conditions. ClinVar contains an entry for this variant (Variation ID: 532760). Invitae Evidence Modeling of protein sequence and biophysical properties (such as structural, functional, and spatial information, amino acid conservation, physicochemical variation, residue mobility, and thermodynamic stability) indicates that this missense variant is not expected to disrupt VCP protein function with a negative predictive value of 80%. In summary, the available evidence is currently insufficient to determine the role of this variant in disease. Therefore, it has been classified as a Variant of Uncertain Significance.

Ambry Genetics
Classification: Uncertain significance for Inborn genetic diseases. Last evaluated: 2024-06-11. Review status: criteria provided, single submitter. Criteria: Ambry Variant Classification Scheme 2023. Collection method: clinical testing. Allele origin: germline.

GeneDx
Classification: Uncertain significance. Last evaluated: 2024-06-05. Review status: criteria provided, single submitter. Criteria: GeneDx Variant Classification Process June 2021. Collection method: clinical testing. Allele origin: germline. Affected: yes.
Comment: In silico analysis supports that this missense variant has a deleterious effect on protein structure/function; Previously reported in an individual from a cohort of patients with schizophrenia; however no additional clinical or segregation data were provided (PMID: 34903660); This variant is associated with the following publications: (PMID: 34903660)

Blueprint Genetics
Classification: Uncertain significance. Last evaluated: 2023-09-18. Review status: criteria provided, single submitter. Criteria: ACMG Guidelines, 2015. Collection method: clinical testing. Allele origin: germline.

NM_007126.5(VCP):c.1327A>C (p.Asn443His)

Gene: VCP (valosin containing protein; minus strand). Cytogenetic location: 9p13.3.
Variant type: single nucleotide variant.
Coding change: c.1327A>C on transcript NM_007126.5 (MANE Select); coding-DNA position 1327, A replaced by C.
Protein change: p.Asn443His; replaces asparagine 443 with histidine.
Molecular consequence: missense variant.
Genome position (GRCh38, 1-based): chr9:35,061,047, T>G on the plus strand (A>C on the coding strand, the complement: VCP is on the minus strand). VCF-style: chr9-35061047-T-G. GRCh37 (hg19) VCF-style: chr9-35061044-T-G.
Other names: c.1192A>C, p.Asn398His (NM_001354927.2, NM_001354928.2); short protein forms N443H, N398H.
Identifiers: ClinVar variation 532760 (VCV000532760.14), dbSNP rs770514866, ClinGen allele CA5039281.